The following is an entry in ClinVar:

ClinVar aggregate classification (germline): Likely benign. Review status: criteria provided, multiple submitters, no conflicts (2 of 4 stars). 3 submissions from 3 submitters: Likely benign (3). Last evaluated 2024-11-07.

Conditions:
Epilepsy, childhood absence 4 (ECA4). Also called: EPILEPSY, CHILDHOOD ABSENCE, SUSCEPTIBILITY TO, 4. Identifiers: Orphanet 307, MedGen C1970160.
Idiopathic generalized epilepsy. Also called: EIG; Generalised epilepsy. Identifiers: MedGen C0270850, MONDO:0005579, OMIM 600669.
Epilepsy, idiopathic generalized, susceptibility to, 13. Also called: EPILEPSY, JUVENILE MYOCLONIC, SUSCEPTIBILITY TO, 5. Identifiers: Orphanet 307, Orphanet 64280, MedGen C4013473, MONDO:0012627, OMIM 611136.

Allele frequency attached by ClinVar (database versions not stated): TOPMed below 0.00001; gnomAD exomes 0.00001 and 0.00002; ExAC 0.00002; gnomAD 0.00003.
gnomAD v4.1: 28 of 1,613,890 alleles (0.0017%); highest among the groups gnomAD compares: Non-Finnish European, 0.0023%; no homozygotes.

Submissions (3):

Labcorp Genetics (formerly Invitae), Labcorp
Classification: Likely benign for Epilepsy, childhood absence 4; Epilepsy, idiopathic generalized, susceptibility to, 13; Idiopathic generalized epilepsy. Last evaluated: 2024-11-07. Review status: criteria provided, single submitter. Criteria: Invitae Variant Classification Sherloc (09022015). Collection method: clinical testing. Allele origin: germline.

Blueprint Genetics
Classification: Likely benign. Last evaluated: 2023-09-27. Review status: criteria provided, single submitter. Criteria: ACMG Guidelines, 2015. Collection method: clinical testing. Allele origin: germline.

GeneDx
Classification: Likely benign. Last evaluated: 2017-07-24. Review status: criteria provided, single submitter. Criteria: GeneDx Variant Classification (06012015). Collection method: clinical testing. Allele origin: germline. Affected: yes.
Comment: This variant is considered likely benign or benign based on one or more of the following criteria: it is a conservative change, it occurs at a poorly conserved position in the protein, it is predicted to be benign by multiple in silico algorithms, and/or has population frequency not consistent with disease.

NM_001127644.2(GABRA1):c.834T>C (p.Ser278=)

Gene: GABRA1 (gamma-aminobutyric acid type A receptor subunit alpha1; plus strand). Cytogenetic location: 5q34.
Variant type: single nucleotide variant.
Coding change: c.834T>C on transcript NM_001127644.2 (MANE Select); coding-DNA position 834, T replaced by C.
Protein change: p.Ser278=; no amino-acid change (serine 278 retained).
Molecular consequence: synonymous variant.
Genome position (GRCh38, 1-based): chr5:161,891,028, T>C. VCF-style: chr5-161891028-T-C. GRCh37 (hg19) VCF-style: chr5-161318034-T-C.
Other names: c.834T>C, p.Ser278= (NM_000806.5, NM_001127643.2, NM_001127645.2 and 1 more transcripts).
Identifiers: ClinVar variation 511040 (VCV000511040.12), dbSNP rs749956729, ClinGen allele CA3544520.